The following is an entry in ClinVar:

Conditions:
Long QT syndrome 5 (LQT5). Identifiers: Orphanet 101016, Orphanet 768, MedGen C1867904, MONDO:0013372, OMIM 613695.

Submission:

Roden Lab, Vanderbilt University Medical Center
No classification provided (evidence only). Condition: Long QT syndrome 5. Review status: no classification provided. Collection method: in vitro. Allele origin: not applicable. Functional consequence: Effect on ion channel function.
ClinVar note: "not provided" was previously submitted as the classification for the variant. However, the classification appeared to be based only on an observation of functional data so it was converted to no classification on 2025-07-30.

NM_000219.6(KCNE1):c.188T>C (p.Leu63Pro)

Gene: KCNE1 (potassium voltage-gated channel subfamily E regulatory subunit 1; minus strand). Cytogenetic location: 21q22.12.
Variant type: single nucleotide variant.
Coding change: c.188T>C on transcript NM_000219.6 (MANE Select); coding-DNA position 188, T replaced by C.
Protein change: p.Leu63Pro; replaces leucine 63 with proline.
Molecular consequence: missense variant.
Genome position (GRCh38, 1-based): chr21:34,449,447, A>G on the plus strand (T>C on the coding strand, the complement: KCNE1 is on the minus strand). VCF-style: chr21-34449447-A-G. GRCh37 (hg19) VCF-style: chr21-35821745-A-G.
Other names: c.188T>C, p.Leu63Pro (NM_001127668.4, NM_001127669.4, NM_001127670.4 and 4 more transcripts); short protein forms L63P.
Identifiers: ClinVar variation 3374282 (VCV003374282.2).